The following is an entry in ClinVar:

ClinVar aggregate classification (germline): Likely benign (1 of 4 stars; one submission).

Allele frequency attached by ClinVar (database versions not stated): gnomAD exomes 0.00092; ExAC 0.00137; TOPMed 0.00397; gnomAD 0.00404 and 0.00420; ESP Exome Variant Server 0.00477; 1000 Genomes Project 0.00519; 1000 Genomes Project 30x 0.00562.
gnomAD v4.1: 1,177 of 1,612,290 alleles (0.073%); highest among the groups gnomAD compares: African/African-American, 1.4%; 8 homozygotes.

Submission:

GeneDx
Classification: Likely benign. Last evaluated: 2018-06-14. Review status: criteria provided, single submitter. Criteria: GeneDx Variant Classification (06012015). Collection method: clinical testing. Allele origin: germline. Affected: yes.
Comment: This variant is considered likely benign or benign based on one or more of the following criteria: it is a conservative change, it occurs at a poorly conserved position in the protein, it is predicted to be benign by multiple in silico algorithms, and/or has population frequency not consistent with disease.

NM_001844.5(COL2A1):c.3003+22C>G

Gene: COL2A1 (collagen type II alpha 1 chain; minus strand). Cytogenetic location: 12q13.11.
Variant type: single nucleotide variant.
Coding change: c.3003+22C>G on transcript NM_001844.5 (MANE Select); 22 bases into the intron after coding-DNA position 3003, C replaced by G.
Molecular consequence: intron variant.
Genome position (GRCh38, 1-based): chr12:47,978,269, G>C on the plus strand (C>G on the coding strand, the complement: COL2A1 is on the minus strand). VCF-style: chr12-47978269-G-C. GRCh37 (hg19) VCF-style: chr12-48372052-G-C.
Other names: c.2796+22C>G (NM_033150.3).
Identifiers: ClinVar variation 675129 (VCV000675129.1), dbSNP rs116381604, ClinGen allele CA6534926.
Genomic context (GRCh38, chr12:47,978,269, plus strand): 5'-CAGTCCTGAGGGTGCTGAGGGAGGTAGAAGCCTTGGCAGGCAGGGCCCAGCTTGGATGGA[G>C]GGAGGGATACCCCACACTCACCGACGGGCCAGGCAAGCCAGGGAATCCTCTCTCACCACG-3'